The following is an entry in ClinVar:

NM_015662.3(IFT172):c.4822G>A (p.Glu1608Lys)

Genes: IFT172 (intraflagellar transport 172; minus strand), KRTCAP3 (keratinocyte associated protein 3; plus strand). Cytogenetic location: 2p23.3.
Variant type: single nucleotide variant.
Coding change: c.4822G>A on transcript NM_015662.3 (MANE Select); coding-DNA position 4822, G replaced by A.
Protein change: p.Glu1608Lys; replaces glutamic acid 1608 with lysine.
Molecular consequence: missense variant. On other transcripts: intron variant (1).
Genome position (GRCh38, 1-based): chr2:27,445,837, C>T on the plus strand (G>A on the coding strand, the complement: IFT172 is on the minus strand). VCF-style: chr2-27445837-C-T. GRCh37 (hg19) VCF-style: chr2-27668704-C-T.
Other names: c.4756G>A, p.Glu1586Lys (NM_001410739.1); c.*6-464C>T (NM_001168364.2); short protein forms E1586K, E1608K.
Identifiers: ClinVar variation 2428953 (VCV002428953.42), dbSNP rs1372327110, ClinGen allele CA346414877.
Genomic context (GRCh38, chr2:27,445,837, plus strand): 5'-CAAAGGGAATGTCTGTATCCTGAAAATCAGAGTGGTCAAGGCCATCTAGAGTCCCTTCCT[C>T]GATTGCCTGCAGTAGAGTGGGCAACCATGAACTAGGCACAGCTCGCGACTGGCAAAAACC-3'
Protein context (NP_056477.1, residues 1598-1618): NRFLDLTDAI[Glu1608Lys]EGTLDGLDHS

ClinVar aggregate classification (germline): Uncertain significance. Review status: criteria provided, multiple submitters, no conflicts (2 of 4 stars). 3 submissions from 3 submitters: Uncertain significance (3). Last evaluated 2025-04-30.

Conditions:
IFT172-related disorder. Also called: IFT172-related condition; IFT172-related disorders.

Allele frequency attached by ClinVar (database versions not stated): gnomAD exomes below 0.00001; gnomAD 0.00001; TOPMed 0.00001.
gnomAD v4.1: 6 of 1,614,028 alleles (0.00037%); highest among the groups gnomAD compares: Non-Finnish European, 0.00051%; no homozygotes.

Submissions (3):

PreventionGenetics, part of Exact Sciences
Classification: Uncertain significance for IFT172-related condition. Last evaluated: 2025-04-30. Review status: criteria provided, single submitter. Criteria: ACMG Guidelines, 2015. Collection method: clinical testing. Allele origin: germline.
Comment: The IFT172 c.4822G>A variant is predicted to result in the amino acid substitution p.Glu1608Lys. To our knowledge, this variant has not been reported in the literature or in a large population database (gnomAD), indicating this variant is rare. At this time, the clinical significance of this variant is uncertain due to the absence of conclusive functional and genetic evidence.

Blueprint Genetics
Classification: Uncertain significance. Last evaluated: 2024-11-11. Review status: criteria provided, single submitter. Criteria: ACMG Guidelines, 2015. Collection method: clinical testing. Allele origin: germline.

GeneDx
Classification: Uncertain significance. Last evaluated: 2022-08-03. Review status: criteria provided, single submitter. Criteria: GeneDx Variant Classification Process June 2021. Collection method: clinical testing. Allele origin: germline. Affected: yes.
Comment: Not observed at significant frequency in large population cohorts (gnomAD); In silico analysis supports that this missense variant has a deleterious effect on protein structure/function; Has not been previously published as pathogenic or benign to our knowledge